The following is an entry in ClinVar:

NM_000245.4(MET):c.2374C>A (p.His792Asn)

Gene: MET (MET proto-oncogene, receptor tyrosine kinase; plus strand). Cytogenetic location: 7q31.2.
Variant type: single nucleotide variant.
Coding change: c.2374C>A on transcript NM_000245.4 (MANE Select); coding-DNA position 2374, C replaced by A.
Protein change: p.His792Asn; replaces histidine 792 with asparagine.
Molecular consequence: missense variant.
Genome position (GRCh38, 1-based): chr7:116,763,059, C>A. VCF-style: chr7-116763059-C-A. GRCh37 (hg19) VCF-style: chr7-116403113-C-A.
Other names: c.2428C>A, p.His810Asn (NM_001127500.3); c.2374C>A, p.His792Asn (NM_001324401.3); c.1084C>A, p.His362Asn (NM_001324402.2); short protein forms H362N, H792N, H810N.
Identifiers: ClinVar variation 2756063 (VCV002756063.3), dbSNP rs2116953734, ClinGen allele CA368982828.

ClinVar aggregate classification (germline): Uncertain significance (1 of 4 stars; one submission).

Conditions:
Renal cell carcinoma. Identifiers: Orphanet 217071, MedGen C0007134, MeSH D002292, MONDO:0005086, HP:0005584.

Submission:

Labcorp Genetics (formerly Invitae), Labcorp
Classification: Uncertain significance for Renal cell carcinoma. Last evaluated: 2023-08-28. Review status: criteria provided, single submitter. Criteria: Invitae Variant Classification Sherloc (09022015). Collection method: clinical testing. Allele origin: germline.
Comment: In summary, the available evidence is currently insufficient to determine the role of this variant in disease. Therefore, it has been classified as a Variant of Uncertain Significance. Advanced modeling of protein sequence and biophysical properties (such as structural, functional, and spatial information, amino acid conservation, physicochemical variation, residue mobility, and thermodynamic stability) performed at Invitae indicates that this missense variant is not expected to disrupt MET protein function. This variant has not been reported in the literature in individuals affected with MET-related conditions. This variant is not present in population databases (gnomAD no frequency). This sequence change replaces histidine, which is basic and polar, with asparagine, which is neutral and polar, at codon 810 of the MET protein (p.His810Asn).